The following is an entry in ClinVar:

ClinVar aggregate classification (germline): Likely benign (1 of 4 stars; one submission).

Submission:

GeneDx
Classification: Likely benign. Last evaluated: 2018-02-07. Review status: criteria provided, single submitter. Criteria: GeneDx Variant Classification (06012015). Collection method: clinical testing. Allele origin: germline. Affected: yes.
Comment: This variant is considered likely benign or benign based on one or more of the following criteria: it is a conservative change, it occurs at a poorly conserved position in the protein, it is predicted to be benign by multiple in silico algorithms, and/or has population frequency not consistent with disease.

NM_001159702.3(FHL1):c.-108C>T

Gene: FHL1 (four and a half LIM domains 1; plus strand). Cytogenetic location: Xq26.3.
Variant type: single nucleotide variant.
Coding change: c.-108C>T on transcript NM_001159702.3 (MANE Plus Clinical); 108 bases upstream of the start codon, C replaced by T.
Molecular consequence: 5 prime UTR variant.
Genome position (GRCh38, 1-based): chrX:136,147,621, C>T. VCF-style: chrX-136147621-C-T. GRCh37 (hg19) VCF-style: chrX-135229780-C-T.
Other names: c.-108C>T (NM_001159703.2, NM_001449.5).
Identifiers: ClinVar variation 515310 (VCV000515310.3), dbSNP rs1158663274, ClinGen allele CA658799871.
Genomic context (GRCh38, chrX:136,147,621, plus strand): 5'-GCCTCGGCCTCGGTGCAGGCAGCGGCCGCCGCCGCCGAGACAGCTGCGCGGGCGAGCATC[C>T]CCACGCAGTAAGCCCGCTTTCTTTCCGCTTGTGCGCGCGTGTGTGCCTCCCGCCCGCCGG-3'